The following is an entry in ClinVar:

NM_000264.5(PTCH1):c.2497A>G (p.Met833Val)

Genes: PTCH1 (patched 1; minus strand), LOC100507346 (uncharacterized LOC100507346; plus strand). Cytogenetic location: 9q22.32.
Variant type: single nucleotide variant.
Coding change: c.2497A>G on transcript NM_000264.5 (MANE Select); coding-DNA position 2497, A replaced by G.
Protein change: p.Met833Val; replaces methionine 833 with valine.
Molecular consequence: missense variant. On other transcripts: non-coding transcript variant (2).
Genome position (GRCh38, 1-based): chr9:95,467,179, T>C on the plus strand (A>G on the coding strand, the complement: PTCH1 is on the minus strand). VCF-style: chr9-95467179-T-C. GRCh37 (hg19) VCF-style: chr9-98229461-T-C.
Other names: c.2299A>G, p.Met767Val (NM_001083602.3); c.2494A>G, p.Met832Val (NM_001083603.3); c.2044A>G, p.Met682Val (NM_001083604.3, NM_001083605.3, NM_001083606.3 and 1 more transcripts); c.2341A>G, p.Met781Val (NM_001354918.2); c.2497A>G (NM_000264.4); short protein forms M833V, M767V, M682V, M781V, M832V.
Identifiers: ClinVar variation 524521 (VCV000524521.13), dbSNP rs771222407, ClinGen allele CA5138395.

ClinVar aggregate classification (germline): Conflicting classifications of pathogenicity. Review status: criteria provided, conflicting classifications (1 of 4 stars). 5 submissions from 5 submitters: Uncertain significance (2); Benign (1); Likely benign (2). Last evaluated 2026-01-11.

Conditions:
Hereditary cancer-predisposing syndrome. Also called: Neoplastic Syndromes, Hereditary; Tumor predisposition; Hereditary Cancer Syndrome; Hereditary neoplastic syndrome. Identifiers: Orphanet 140162, MedGen C0027672, MeSH D009386, MONDO:0015356.
Holoprosencephaly 7 (HPE7). Identifiers: Orphanet 2162, MedGen C1835820, MONDO:0012562, OMIM 610828.
Basal cell carcinoma, susceptibility to, 1. Also called: BCC1. Identifiers: MedGen C2751544, MONDO:0011556, OMIM 605462.
Gorlin syndrome. Also called: Nevoid Basal Cell Carcinoma Syndrome; Basal cell nevus syndrome. Identifiers: Orphanet 377, MedGen C0004779, MONDO:0007187.

Allele frequency attached by ClinVar (database versions not stated): gnomAD exomes below 0.00001; ExAC 0.00001; gnomAD 0.00003 and 0.00005; TOPMed 0.00003.
gnomAD v4.1: 7 of 1,614,130 alleles (0.00043%); highest among the groups gnomAD compares: African/African-American, 0.0093%; no homozygotes.

Submissions (5):

Labcorp Genetics (formerly Invitae), Labcorp
Classification: Benign for Gorlin syndrome. Last evaluated: 2026-01-11. Review status: criteria provided, single submitter. Criteria: Invitae Variant Classification Sherloc (09022015). Collection method: clinical testing. Allele origin: germline.

GeneDx
Classification: Uncertain significance. Last evaluated: 2024-03-01. Review status: criteria provided, single submitter. Criteria: GeneDx Variant Classification Process June 2021. Collection method: clinical testing. Allele origin: germline. Affected: yes.
Comment: In silico analysis supports that this missense variant does not alter protein structure/function; Has not been previously published as pathogenic or benign to our knowledge; This variant is associated with the following publications: (PMID: 26580448, 8906794, 24807215)

Quest Diagnostics Nichols Institute San Juan Capistrano
Classification: Likely benign. Last evaluated: 2023-07-07. Review status: criteria provided, single submitter. Criteria: Quest Diagnostics criteria. Collection method: clinical testing. Allele origin: unknown.

Ambry Genetics
Classification: Likely benign for Hereditary cancer-predisposing syndrome. Last evaluated: 2023-02-07. Review status: criteria provided, single submitter. Criteria: Ambry Variant Classification Scheme 2023. Collection method: clinical testing. Allele origin: germline.

Fulgent Genetics
Classification: Uncertain significance for Basal cell nevus syndrome 1; Basal cell carcinoma, susceptibility to, 1; Holoprosencephaly 7. Last evaluated: 2022-04-07. Review status: criteria provided, single submitter. Criteria: ACMG Guidelines, 2015. Collection method: clinical testing. Allele origin: unknown.

Literature cited by the submitters: PubMed 31613886 (cited by Quest Diagnostics Nichols Institute San Juan Capistrano); PubMed 24807215 (cited by Quest Diagnostics Nichols Institute San Juan Capistrano); PubMed 26580448 (cited by Quest Diagnostics Nichols Institute San Juan Capistrano).